The following is an entry in ClinVar:

NM_007294.4(BRCA1):c.855T>A (p.His285Gln)

Gene: BRCA1 (BRCA1 DNA repair associated; minus strand). Cytogenetic location: 17q21.31.
Variant type: single nucleotide variant.
Coding change: c.855T>A on transcript NM_007294.4 (MANE Select); coding-DNA position 855, T replaced by A.
Protein change: p.His285Gln; replaces histidine 285 with glutamine.
Molecular consequence: missense variant. On other transcripts: 5 prime UTR variant (2), intron variant (137).
Genome position (GRCh38, 1-based): chr17:43,094,676, A>T on the plus strand (T>A on the coding strand, the complement: BRCA1 is on the minus strand). VCF-style: chr17-43094676-A-T. GRCh37 (hg19) VCF-style: chr17-41246693-A-T.
Other names: c.642T>A, p.His214Gln (NM_001407571.1, NM_001407853.1, NM_001407894.1 and 9 more transcripts); c.855T>A, p.His285Gln (NM_001407581.1, NM_001407582.1, NM_001407583.1 and 30 more transcripts); c.852T>A, p.His284Gln (NM_001407587.1, NM_001407590.1, NM_001407591.1 and 22 more transcripts); c.846T>A, p.His282Gln (NM_001407646.1, NM_001407647.1); c.732T>A, p.His244Gln (NM_001407648.1, NM_001407664.1, NM_001407665.1 and 19 more transcripts); c.729T>A, p.His243Gln (NM_001407649.1, NM_001407670.1, NM_001407671.1 and 11 more transcripts); c.777T>A, p.His259Gln (NM_001407653.1, NM_001407654.1, NM_001407655.1 and 4 more transcripts); c.774T>A, p.His258Gln (NM_001407659.1, NM_001407660.1, NM_001407661.1 and 1 more transcripts); and 40 more; short protein forms H157Q, H196Q, H237Q, H238Q, H117Q, H173Q, H214Q, H258Q.
Identifiers: ClinVar variation 2799318 (VCV002799318.3), dbSNP rs1345896191, ClinGen allele CA10600373.

ClinVar aggregate classification (germline): Uncertain significance (1 of 4 stars; one submission).

Conditions:
Hereditary breast ovarian cancer syndrome. Also called: Hereditary breast and ovarian cancer syndrome; Hereditary breast and ovarian cancer syndrome (HBOC); Hereditary breast and/or ovarian cancer syndrome; Hereditary breast and ovarian cancer; Breast and ovarian cancer; BRCA1- and BRCA2-Associated Hereditary Breast and Ovarian Cancer. Identifiers: Orphanet 145, MedGen C0677776, MeSH D061325, MONDO:0003582. Disease mechanism: loss of function.

Allele frequency attached by ClinVar (database versions not stated): gnomAD exomes below 0.00001.
gnomAD v4.1: 1 of 1,613,996 alleles (0.000062%); highest among the groups gnomAD compares: Non-Finnish European, 0.000085%; no homozygotes.

Submission:

Labcorp Genetics (formerly Invitae), Labcorp
Classification: Uncertain significance for Hereditary breast ovarian cancer syndrome. Last evaluated: 2023-11-01. Review status: criteria provided, single submitter. Criteria: Invitae Variant Classification Sherloc (09022015). Collection method: clinical testing. Allele origin: germline.
Comment: This sequence change replaces histidine, which is basic and polar, with glutamine, which is neutral and polar, at codon 285 of the BRCA1 protein (p.His285Gln). This variant is present in population databases (no rsID available, gnomAD 0.0009%). This variant has not been reported in the literature in individuals affected with BRCA1-related conditions. Advanced modeling of protein sequence and biophysical properties (such as structural, functional, and spatial information, amino acid conservation, physicochemical variation, residue mobility, and thermodynamic stability) performed at Invitae indicates that this missense variant is not expected to disrupt BRCA1 protein function with a negative predictive value of 95%. In summary, the available evidence is currently insufficient to determine the role of this variant in disease. Therefore, it has been classified as a Variant of Uncertain Significance.